The following is an entry in ClinVar:

NM_001354930.2(RIPK1):c.1255C>T (p.Pro419Ser)

Gene: RIPK1 (receptor interacting serine/threonine kinase 1; plus strand). Cytogenetic location: 6p25.2.
Variant type: single nucleotide variant.
Coding change: c.1255C>T on transcript NM_001354930.2 (MANE Select); coding-DNA position 1255, C replaced by T.
Protein change: p.Pro419Ser; replaces proline 419 with serine.
Molecular consequence: missense variant.
Genome position (GRCh38, 1-based): chr6:3,105,730, C>T. VCF-style: chr6-3105730-C-T. GRCh37 (hg19) VCF-style: chr6-3105964-C-T.
Other names: c.766C>T, p.Pro256Ser (NM_001317061.3, NM_001354932.2, NM_001354933.2 and 1 more transcripts); c.1117C>T, p.Pro373Ser (NM_001354931.2); c.1255C>T, p.Pro419Ser (NM_003804.6); c.1255C>T (NM_003804.3); short protein forms P256S, P373S, P419S.
Identifiers: ClinVar variation 1903095 (VCV001903095.6), dbSNP rs369548921, ClinGen allele CA3618402.
Genomic context (GRCh38, chr6:3,105,730, plus strand): 5'-CCCAGACAGAATGTGGCTTACAACAGAGAGGAGGAAAGGAGACGCAGGGTCTCCCATGAC[C>T]CTTTTGCACAGCAAAGACCTTACGAGAATTTTCAGAATACAGAGGGAAAAGGCACTGCTT-3'
Protein context (NP_001341859.1, residues 409-429): EERRRRVSHD[Pro419Ser]FAQQRPYENF

ClinVar aggregate classification (germline): Uncertain significance. Review status: criteria provided, multiple submitters, no conflicts (2 of 4 stars). 2 submissions from 2 submitters: Uncertain significance (2). Last evaluated 2025-10-31.

Conditions:
Inborn genetic diseases. Identifiers: MedGen C0950123, MeSH D030342.

Allele frequency attached by ClinVar (database versions not stated): gnomAD exomes below 0.00001; ExAC 0.00001; ESP Exome Variant Server 0.00008.

Submissions (2):

Labcorp Genetics (formerly Invitae), Labcorp
Classification: Uncertain significance. Last evaluated: 2025-10-31. Review status: criteria provided, single submitter. Criteria: Invitae Variant Classification Sherloc (09022015). Collection method: clinical testing. Allele origin: germline.
Comment: This sequence change replaces proline, which is neutral and non-polar, with serine, which is neutral and polar, at codon 419 of the RIPK1 protein (p.Pro419Ser). This variant is present in population databases (rs369548921, gnomAD 0.003%). This variant has not been reported in the literature in individuals affected with RIPK1-related conditions. ClinVar contains an entry for this variant (Variation ID: 1903095). An algorithm developed to predict the effect of missense changes on protein structure and function (PolyPhen-2) suggests that this variant is likely to be disruptive. In summary, the available evidence is currently insufficient to determine the role of this variant in disease. Therefore, it has been classified as a Variant of Uncertain Significance.

Ambry Genetics
Classification: Uncertain significance for Inborn genetic diseases. Last evaluated: 2025-10-18. Review status: criteria provided, single submitter. Criteria: Ambry Variant Classification Scheme 2023. Collection method: clinical testing. Allele origin: germline.